The following is an entry in ClinVar:

NM_000551.4(VHL):c.488T>C (p.Leu163Pro)

Genes: VHL (von Hippel-Lindau tumor suppressor; plus strand), LOC107303340 (3p25 von Hippel-Lindau tumor suppressor, E3 ubiquitin protein ligase Alu-mediated recombination region; plus strand). Cytogenetic location: 3p25.3.
Variant type: single nucleotide variant.
Coding change: c.488T>C on transcript NM_000551.4 (MANE Select); coding-DNA position 488, T replaced by C.
Protein change: p.Leu163Pro; replaces leucine 163 with proline.
Molecular consequence: missense variant. On other transcripts: 3 prime UTR variant (1).
Genome position (GRCh38, 1-based): chr3:10,149,811, T>C. VCF-style: chr3-10149811-T-C. GRCh37 (hg19) VCF-style: chr3-10191495-T-C.
Other names: c.*42T>C (NM_001354723.2); c.365T>C, p.Leu122Pro (NM_198156.3); short protein forms L163P, L122P.
Identifiers: ClinVar variation 2231 (VCV000002231.13), dbSNP rs28940297, ClinGen allele CA020423.

ClinVar aggregate classification (germline): Pathogenic/Likely pathogenic. Review status: criteria provided, multiple submitters, no conflicts (2 of 4 stars). 4 submissions from 4 submitters: Pathogenic (1); Likely pathogenic (2). 1 of the submissions does not count toward it. Last evaluated 2026-06-09.

Conditions:
Chuvash polycythemia. Also called: POLYCYTHEMIA, VHL-DEPENDENT. Identifiers: Orphanet 238557, MedGen C1837915, MONDO:0009892, OMIM 263400.
Von Hippel-Lindau syndrome (VHLS). Also called: VHL syndrome; Von Hippel-Lindau; von Hippel–Lindau syndrome. Identifiers: Orphanet 892, MedGen C0019562, MONDO:0008667, OMIM 193300. Disease mechanism: loss of function.
Hereditary cancer-predisposing syndrome. Also called: Hereditary neoplastic syndrome; Neoplastic Syndromes, Hereditary; Hereditary Cancer Syndrome; Tumor predisposition. Identifiers: Orphanet 140162, MedGen C0027672, MeSH D009386, MONDO:0015356.
RENAL CELL CARCINOMA WITH PARANEOPLASTIC ERYTHROCYTOSIS. Identifiers: MedGen C4017161.

Submissions (4):

Ambry Genetics
Classification: Pathogenic for Hereditary cancer-predisposing syndrome. Last evaluated: 2026-06-09. Review status: criteria provided, single submitter. Criteria: Ambry Variant Classification Scheme 2023. Collection method: clinical testing. Allele origin: germline.
Comment: The p.L163P pathogenic mutation (also known as c.488T>C), located in coding exon 3 of the VHL gene, results from a T to C substitution at nucleotide position 488. The leucine at codon 163 is replaced by proline, an amino acid with similar properties. This variant was reported in individual(s) with features consistent with von Hippel-Lindau syndrome (VHL) (Cho HJ et al. J Korean Med Sci, 2009 Feb;24:77-83; Ambry internal data). Another alteration at the same codon, p.L163F (c.487>T), has been detected in individual(s) with features consistent with von Hippel-Lindau syndrome (VHL) (Tong AL et al. Ann. N. Y. Acad. Sci., 2006 Aug;1073:203-7; Pandit R et al. Eur. J. Endocrinol., 2016 12;175:X3; Lomte N et al. Fam Cancer, 2018 Jul;17:441-449; Goldstein M et al. AACE Clin Case Rep, 2020 May;6:e193-e196; Ambry internal data). This variant was determined to be functionally deleterious in one saturation genome editing assay (Buckley M et al. Nat Genet, 2024 Jul;56:1446-1455). This amino acid position is highly conserved in available vertebrate species. In addition, this alteration is predicted to be deleterious by in silico analysis. This variant is considered to be rare based on population cohorts in the Genome Aggregation Database (gnomAD). Based on the supporting evidence, this variant is interpreted as a disease-causing mutation.

Myriad Genetics, Inc.
Classification: Likely pathogenic for Von Hippel-Lindau syndrome. Last evaluated: 2024-03-05. Review status: criteria provided, single submitter. Criteria: Myriad Autosomal Dominant, Autosomal Recessive and X-Linked Classification Criteria (2023). Collection method: clinical testing. Allele origin: unknown.
Comment: This variant is considered likely pathogenic. Functional studies indicate this variant impacts protein function [PMID: 11986208]. This variant is expected to disrupt protein structure [Myriad internal data]. This variant has been reported in multiple individuals with clinical features of gene-specific disease [PMID: 25078357, 29595810].

Labcorp Genetics (formerly Invitae), Labcorp
Classification: Likely pathogenic for Von Hippel-Lindau syndrome; Chuvash polycythemia. Last evaluated: 2019-08-23. Review status: criteria provided, single submitter. Criteria: Invitae Variant Classification Sherloc (09022015). Collection method: clinical testing. Allele origin: germline.
Comment: In summary, the currently available evidence indicates that the variant is pathogenic, but additional data are needed to prove that conclusively. Therefore, this variant has been classified as Likely Pathogenic. This variant disrupts the p.Leu163 amino acid residue in VHL. Other variant(s) that disrupt this residue have been observed in individuals with VHL-related conditions (PMID: 29124493, 15607616), which suggests that this may be a clinically significant amino acid residue. This variant has been reported to affect VHL protein function (PMID: 11986208). This variant has been observed in several individuals affected with Von Hippel-Lindau syndrome (PMID: 19270817, Invitae). ClinVar contains an entry for this variant (Variation ID: 2231). This variant is not present in population databases (ExAC no frequency). This sequence change replaces leucine with proline at codon 163 of the VHL protein (p.Leu163Pro). The leucine residue is highly conserved and there is a moderate physicochemical difference between leucine and proline.

OMIM
Classification: Pathogenic for RENAL CELL CARCINOMA WITH PARANEOPLASTIC ERYTHROCYTOSIS. Last evaluated: 2002-05-15. Review status: no assertion criteria provided. Collection method: literature only. Allele origin: germline. Not counted in ClinVar's aggregate classification.

Literature cited by the submitters: PubMed 17102088 (cited by Ambry Genetics); PubMed 19270817 (cited by Ambry Genetics and Labcorp Genetics (formerly Invitae), Labcorp); PubMed 27811160 (cited by Ambry Genetics); PubMed 29124493 (cited by Ambry Genetics and Labcorp Genetics (formerly Invitae), Labcorp); PubMed 32671223 (cited by Ambry Genetics); PubMed 36905328 (cited by Ambry Genetics); PubMed 38969834 (cited by Ambry Genetics); PubMed 11986208 (cited by 3 submitters); PubMed 25078357 (cited by Myriad Genetics, Inc.); PubMed 29595810 (cited by Myriad Genetics, Inc.); PubMed 15607616 (cited by Labcorp Genetics (formerly Invitae), Labcorp).